The following is an entry in ClinVar:

NM_001003694.2(BRPF1):c.2884A>G (p.Ser962Gly)

Gene: BRPF1 (bromodomain and PHD finger containing 1; plus strand). Cytogenetic location: 3p25.3.
Variant type: single nucleotide variant.
Coding change: c.2884A>G on transcript NM_001003694.2 (MANE Select); coding-DNA position 2884, A replaced by G.
Protein change: p.Ser962Gly; replaces serine 962 with glycine.
Molecular consequence: missense variant. On other transcripts: non-coding transcript variant (1), intron variant (1).
Genome position (GRCh38, 1-based): chr3:9,744,472, A>G. VCF-style: chr3-9744472-A-G. GRCh37 (hg19) VCF-style: chr3-9786156-A-G.
Other names: c.2863A>G, p.Ser955Gly (NM_001319050.2); c.2881A>G, p.Ser961Gly (NM_001410704.1); c.2866A>G, p.Ser956Gly (NM_004634.3); c.2618-536A>G (NM_001319049.2); short protein forms S955G, S956G, S961G, S962G.
Identifiers: ClinVar variation 4070820 (VCV004070820.1).

ClinVar aggregate classification (germline): Uncertain significance (1 of 4 stars; one submission).

gnomAD v4.1: 11 of 1,572,908 alleles (0.0007%); highest among the groups gnomAD compares: Non-Finnish European, 0.00095%; no homozygotes.

Submission:

GeneDx
Classification: Uncertain significance. Last evaluated: 2025-01-19. Review status: criteria provided, single submitter. Criteria: GeneDx Variant Classification Process June 2021. Collection method: clinical testing. Allele origin: germline. Affected: yes.
Comment: Not observed at significant frequency in large population cohorts (gnomAD); In silico analysis indicates that this missense variant does not alter protein structure/function; Has not been previously published as pathogenic or benign to our knowledge